The following is an entry in ClinVar:

ClinVar aggregate classification (germline): Uncertain significance. Review status: criteria provided, multiple submitters, no conflicts (2 of 4 stars). 2 submissions from 2 submitters: Uncertain significance (2). Last evaluated 2025-10-19.

Allele frequency attached by ClinVar (database versions not stated): TOPMed 0.00004; gnomAD exomes below 0.00001; ExAC 0.00001; gnomAD 0.00003.
gnomAD v4.1: 9 of 1,613,806 alleles (0.00056%); highest among the groups gnomAD compares: African/African-American, 0.0067%; no homozygotes.

Submissions (2):

Mayo Clinic Laboratories, Mayo Clinic
Classification: Uncertain significance. Last evaluated: 2025-10-19. Review status: criteria provided, single submitter. Criteria: ACMG Guidelines, 2015. Collection method: clinical testing. Allele origin: germline. Observed: 1 variant allele.
Comment: PP3_moderate

Ambry Genetics
Classification: Uncertain significance. Last evaluated: 2025-09-01. Review status: criteria provided, single submitter. Criteria: Ambry Variant Classification Scheme 2023. Collection method: clinical testing. Allele origin: germline.

NM_015512.5(DNAH1):c.12695G>A (p.Gly4232Glu)

Gene: DNAH1 (dynein axonemal heavy chain 1; plus strand). Cytogenetic location: 3p21.1.
Variant type: single nucleotide variant.
Coding change: c.12695G>A on transcript NM_015512.5 (MANE Select); coding-DNA position 12695, G replaced by A.
Protein change: p.Gly4232Glu; replaces glycine 4232 with glutamic acid.
Molecular consequence: missense variant.
Genome position (GRCh38, 1-based): chr3:52,400,343, G>A. VCF-style: chr3-52400343-G-A. GRCh37 (hg19) VCF-style: chr3-52434359-G-A.
Other names: p.Gly4232Glu; short protein forms G4232E.
Identifiers: ClinVar variation 2610815 (VCV002610815.4), dbSNP rs756114557, ClinGen allele CA2436544.